The following is an entry in ClinVar:

NM_001034853.2(RPGR):c.2822_2875del (p.Gly941_Glu958del)

Gene: RPGR (retinitis pigmentosa GTPase regulator; minus strand). Cytogenetic location: Xp11.4.
Variant type: Deletion.
Coding change: c.2822_2875del on transcript NM_001034853.2 (MANE Select); coding-DNA positions 2822 to 2875, 54 bases deleted.
Protein change: p.Gly941_Glu958del.
Molecular consequence: inframe deletion. On other transcripts: intron variant (8).
Genome position (GRCh38, 1-based): chrX:38,286,124-38,286,177, 54 bases deleted. GRCh37 (hg19): chrX:38,145,384-38,145,437.
Other names: c.1569+4782_1569+4835del (NM_001367249.1, NM_001367250.1); c.1902+917_1902+970del (NM_001367245.1); c.1386+4782_1386+4835del (NM_001367251.1); c.1719+917_1719+970del (NM_001367246.1); c.1572+4782_1572+4835del (NM_001367247.1); c.1905+917_1905+970del (NM_000328.3); c.1602+4782_1602+4835del (NM_001367248.1).
Identifiers: ClinVar variation 4985768 (VCV004985768.1).

ClinVar aggregate classification (germline): Likely benign (1 of 4 stars; one submission).

Conditions:
RPGR-related disorder. Also called: RPGR-related condition.

Submission:

PreventionGenetics, part of Exact Sciences
Classification: Likely benign for RPGR-related condition. Last evaluated: 2026-08-31. Review status: criteria provided, single submitter. Criteria: ACMG Guidelines, 2015. Collection method: clinical testing. Allele origin: germline.
Comment: This variant is classified as likely benign based on ACMG/AMP sequence variant interpretation guidelines (Richards et al. 2015 PMID: 25741868, with internal and published modifications).